The following is an entry in ClinVar:

ClinVar aggregate classification (germline): Uncertain significance (1 of 4 stars; one submission).

Allele frequency attached by ClinVar (database versions not stated): gnomAD exomes below 0.00001; ExAC 0.00001.
gnomAD v4.1: 1 of 1,599,670 alleles (0.000063%); highest among the groups gnomAD compares: Non-Finnish European, 0.000085%; no homozygotes.

Submission:

Labcorp Genetics (formerly Invitae), Labcorp
Classification: Uncertain significance. Last evaluated: 2023-10-22. Review status: criteria provided, single submitter. Criteria: Invitae Variant Classification Sherloc (09022015). Collection method: clinical testing. Allele origin: germline.
Comment: This sequence change replaces serine, which is neutral and polar, with phenylalanine, which is neutral and non-polar, at codon 414 of the TAOK2 protein (p.Ser414Phe). This variant is present in population databases (rs769569940, gnomAD 0.0009%). This variant has not been reported in the literature in individuals affected with TAOK2-related conditions. An algorithm developed to predict the effect of missense changes on protein structure and function (PolyPhen-2) suggests that this variant is likely to be disruptive. In summary, the available evidence is currently insufficient to determine the role of this variant in disease. Therefore, it has been classified as a Variant of Uncertain Significance.

NM_016151.4(TAOK2):c.1241C>T (p.Ser414Phe)

Gene: TAOK2 (TAO kinase 2; plus strand). Cytogenetic location: 16p11.2.
Variant type: single nucleotide variant.
Coding change: c.1241C>T on transcript NM_016151.4 (MANE Select); coding-DNA position 1241, C replaced by T.
Protein change: p.Ser414Phe; replaces serine 414 with phenylalanine.
Molecular consequence: missense variant.
Genome position (GRCh38, 1-based): chr16:29,983,313, C>T. VCF-style: chr16-29983313-C-T. GRCh37 (hg19) VCF-style: chr16-29994634-C-T.
Other names: c.1241C>T, p.Ser414Phe (NM_001252043.2, NM_004783.4); short protein forms S414F.
Identifiers: ClinVar variation 2715625 (VCV002715625.3), dbSNP rs769569940, ClinGen allele CA7998075.